The following is an entry in ClinVar:

NM_015466.4(PTPN23):c.1201A>G (p.Met401Val)

Gene: PTPN23 (protein tyrosine phosphatase non-receptor type 23; plus strand). Cytogenetic location: 3p21.31.
Variant type: single nucleotide variant.
Coding change: c.1201A>G on transcript NM_015466.4 (MANE Select); coding-DNA position 1201, A replaced by G.
Protein change: p.Met401Val; replaces methionine 401 with valine.
Molecular consequence: missense variant.
Genome position (GRCh38, 1-based): chr3:47,408,361, A>G. VCF-style: chr3-47408361-A-G. GRCh37 (hg19) VCF-style: chr3-47449851-A-G.
Other names: c.823A>G, p.Met275Val (NM_001304482.2); c.1201A>G (NM_015466.2); short protein forms M401V, M275V.
Identifiers: ClinVar variation 1497648 (VCV001497648.7), dbSNP rs75578696, ClinGen allele CA2365680.

ClinVar aggregate classification (germline): Uncertain significance. Review status: criteria provided, multiple submitters, no conflicts (2 of 4 stars). 2 submissions from 2 submitters: Uncertain significance (2). Last evaluated 2026-02-02.

Conditions:
Inborn genetic diseases. Identifiers: MedGen C0950123, MeSH D030342.

Allele frequency attached by ClinVar (database versions not stated): gnomAD 0.00001; gnomAD exomes 0.00001 and 0.00002; TOPMed 0.00001; ExAC 0.00002; 1000 Genomes Project 0.00020; 1000 Genomes Project 30x 0.00031.
gnomAD v4.1: 28 of 1,613,952 alleles (0.0017%); highest among the groups gnomAD compares: Non-Finnish European, 0.0024%; no homozygotes.

Submissions (2):

Labcorp Genetics (formerly Invitae), Labcorp
Classification: Uncertain significance. Last evaluated: 2026-02-02. Review status: criteria provided, single submitter. Criteria: Invitae Variant Classification Sherloc (09022015). Collection method: clinical testing. Allele origin: germline.
Comment: This sequence change replaces methionine, which is neutral and non-polar, with valine, which is neutral and non-polar, at codon 401 of the PTPN23 protein (p.Met401Val). This variant is present in population databases (rs75578696, gnomAD 0.003%). This variant has not been reported in the literature in individuals affected with PTPN23-related conditions. ClinVar contains an entry for this variant (Variation ID: 1497648). Experimental studies and prediction algorithms are not available or were not evaluated, and the functional significance of this variant is currently unknown. In summary, the available evidence is currently insufficient to determine the role of this variant in disease. Therefore, it has been classified as a Variant of Uncertain Significance.

Ambry Genetics
Classification: Uncertain significance for Inborn genetic diseases. Last evaluated: 2025-11-08. Review status: criteria provided, single submitter. Criteria: Ambry Variant Classification Scheme 2023. Collection method: clinical testing. Allele origin: germline.